The following is an entry in ClinVar:

NM_001242957.3(MAK):c.424G>C (p.Ala142Pro)

Gene: MAK (male germ cell associated kinase; minus strand). Cytogenetic location: 6p24.2.
Variant type: single nucleotide variant.
Coding change: c.424G>C on transcript NM_001242957.3 (MANE Select); coding-DNA position 424, G replaced by C.
Protein change: p.Ala142Pro; replaces alanine 142 with proline.
Molecular consequence: missense variant. On other transcripts: non-coding transcript variant (2).
Genome position (GRCh38, 1-based): chr6:10,808,877, C>G on the plus strand (G>C on the coding strand, the complement: MAK is on the minus strand). VCF-style: chr6-10808877-C-G. GRCh37 (hg19) VCF-style: chr6-10809110-C-G.
Other names: c.424G>C, p.Ala142Pro (NM_001242385.2, NM_005906.6); c.322G>C, p.Ala108Pro (NM_001377262.1); short protein forms A108P, A142P.
Identifiers: ClinVar variation 1492464 (VCV001492464.6), dbSNP rs2127564865, ClinGen allele CA362720875.
Genomic context (GRCh38, chr6:10,808,877, plus strand): 5'-TAGATACATAATCAGTGTATGGTGGCTGTGACCTTAATTCTCTTGCAAGTCCAAAATCAG[C>G]AATTTTCACAAGCTCTGGACCCATACAAAGCAAGTTTTCTGGTTTCATGTCCCTATGAAA-3'
Protein context (NP_001229886.1, residues 132-152): LCMGPELVKI[Ala142Pro]DFGLARELRS

ClinVar aggregate classification (germline): Uncertain significance (1 of 4 stars; one submission).

Submission:

Labcorp Genetics (formerly Invitae), Labcorp
Classification: Uncertain significance. Last evaluated: 2021-09-24. Review status: criteria provided, single submitter. Criteria: Invitae Variant Classification Sherloc (09022015). Collection method: clinical testing. Allele origin: germline.
Comment: In summary, the available evidence is currently insufficient to determine the role of this variant in disease. Therefore, it has been classified as a Variant of Uncertain Significance. Experimental studies and prediction algorithms are not available or were not evaluated, and the functional significance of this variant is currently unknown. This variant has not been reported in the literature in individuals affected with MAK-related conditions. This variant is not present in population databases (ExAC no frequency). This sequence change replaces alanine with proline at codon 142 of the MAK protein (p.Ala142Pro). The alanine residue is highly conserved and there is a small physicochemical difference between alanine and proline.